The following is an entry in ClinVar:

NM_014846.4(WASHC5):c.518+13T>C

Gene: WASHC5 (WASH complex subunit 5; minus strand). Cytogenetic location: 8q24.13.
Variant type: single nucleotide variant.
Coding change: c.518+13T>C on transcript NM_014846.4 (MANE Select); 13 bases into the intron after coding-DNA position 518, T replaced by C.
Molecular consequence: intron variant.
Genome position (GRCh38, 1-based): chr8:125,081,648, A>G on the plus strand (T>C on the coding strand, the complement: WASHC5 is on the minus strand). VCF-style: chr8-125081648-A-G. GRCh37 (hg19) VCF-style: chr8-126093890-A-G.
Other names: c.74+13T>C (NM_001330609.2).
Identifiers: ClinVar variation 2060323 (VCV002060323.5), dbSNP rs1040491038, ClinGen allele CA185466698.
Genomic context (GRCh38, chr8:125,081,648, plus strand): 5'-AAGGAATATGGGGACATACACTGCATTTTACCGACAGCAGCGTTTCGGAAGTGTAGTCCT[A>G]GCCCAGGAATACCTGTATCGGTAGTAAGAAACCAGCATCCTCTCTCTGACTTCTCCTTCA-3'

ClinVar aggregate classification (germline): Conflicting classifications of pathogenicity. Review status: criteria provided, conflicting classifications (1 of 4 stars). 2 submissions from 2 submitters: Uncertain significance (1); Likely benign (1). Last evaluated 2022-10-05.

Conditions:
Ritscher-Schinzel syndrome. Also called: CRANIOCEREBELLOCARDIAC DYSPLASIA. Identifiers: Orphanet 7, MedGen C0796137, MONDO:0019078.
Hereditary spastic paraplegia 8 (SPG8). Also called: SPASTIC PARAPLEGIA 8, AUTOSOMAL DOMINANT. Identifiers: Orphanet 100989, MedGen C1863704, MONDO:0011339, OMIM 603563.

Allele frequency attached by ClinVar (database versions not stated): gnomAD exomes 0.00001; gnomAD 0.00002; TOPMed 0.00003.
gnomAD v4.1: 11 of 1,503,738 alleles (0.00073%); highest among the groups gnomAD compares: Non-Finnish European, 0.001%; no homozygotes.

Submissions (2):

Labcorp Genetics (formerly Invitae), Labcorp
Classification: Uncertain significance for Ritscher-Schinzel syndrome; Hereditary spastic paraplegia 8. Last evaluated: 2022-10-05. Review status: criteria provided, single submitter. Criteria: Invitae Variant Classification Sherloc (09022015). Collection method: clinical testing. Allele origin: germline.
Comment: In summary, the available evidence is currently insufficient to determine the role of this variant in disease. Therefore, it has been classified as a Variant of Uncertain Significance. Algorithms developed to predict the effect of sequence changes on RNA splicing suggest that this variant may create or strengthen a splice site. This variant has not been reported in the literature in individuals affected with WASHC5-related conditions. This variant is present in population databases (no rsID available, gnomAD 0.0009%). This sequence change falls in intron 5 of the WASHC5 gene. It does not directly change the encoded amino acid sequence of the WASHC5 protein.

Blueprint Genetics
Classification: Likely benign. Last evaluated: 2021-11-24. Review status: criteria provided, single submitter. Criteria: ACMG Guidelines, 2015. Collection method: clinical testing. Allele origin: germline.